The following is an entry in ClinVar:

ClinVar aggregate classification (germline): Conflicting classifications of pathogenicity. Review status: criteria provided, conflicting classifications (1 of 4 stars). 8 submissions from 8 submitters: Pathogenic (1); Likely pathogenic (1); Uncertain significance (5). 1 of the submissions does not count toward it. Last evaluated 2026-04-14.

Conditions:
Benign recurrent intrahepatic cholestasis type 2 (BRIC2). Also called: Recurrent familial intrahepatic cholestasis 2. Identifiers: Orphanet 65682, Orphanet 99961, MedGen C2608083, MONDO:0011559, OMIM 605479.
Progressive familial intrahepatic cholestasis type 2. Identifiers: Orphanet 79304, MedGen C3489789, MONDO:0011156, OMIM 601847.
ABCB11-related disorder. Also called: ABCB11-related condition.
Familial intrahepatic cholestasis. Identifiers: Orphanet 284385, MedGen CN296401, MONDO:0017290.

Allele frequency attached by ClinVar (database versions not stated): gnomAD exomes below 0.00001 and 0.00001; TOPMed below 0.00001; ExAC 0.00001; gnomAD 0.00001.
gnomAD v4.1: 8 of 1,613,796 alleles (0.0005%); highest among the groups gnomAD compares: African/African-American, 0.0013%; no homozygotes.

Submissions (8):

Genomenon, Inc
Classification: Uncertain significance for Familial intrahepatic cholestasis. Last evaluated: 2026-04-14. Review status: criteria provided, single submitter. Criteria: Genomenon Sequence Variant Interpretation Standards - Updated. Collection method: curation. Allele origin: germline. Affected: yes.
Comment: ABCB11 p.Gly877Arg (c.2629G>A) is a missense variant that changes the amino acid at residue 877 from Glycine to Arginine. This variant has been observed in at least one proband with an ABCB11-related disorder (PMID:41165782;37471416;36995996;20414253). It is absent or not present at a significant frequency in gnomAD. In silico models predict that this variant is possibly or probably damaging. In conclusion, we classify ABCB11 p.Gly877Arg (c.2629G>A) as a variant of uncertain significance.

Immunogenetics and Transplant Biology Service, University Hospital "Città della Salute e della Scienza di Torino"
Classification: Likely pathogenic for Benign recurrent intrahepatic cholestasis type 2; Progressive familial intrahepatic cholestasis type 2. Last evaluated: 2025-06-28. Review status: criteria provided, single submitter. Criteria: ACMG Guidelines, 2015. Collection method: clinical testing. Allele origin: germline. Affected: yes.

Women's Health and Genetics/Laboratory Corporation of America, LabCorp
Classification: Uncertain significance. Last evaluated: 2025-04-14. Review status: criteria provided, single submitter. Criteria: LabCorp Variant Classification Summary - May 2015. Collection method: clinical testing. Allele origin: germline.
Comment: Variant summary: ABCB11 c.2629G>A (p.Gly877Arg) results in a non-conservative amino acid change in the encoded protein sequence. Four of four in-silico tools predict a damaging effect of the variant on protein function. The variant allele was found at a frequency of 4e-06 in 249174 control chromosomes (gnomAD). c.2629G>A has been observed in individuals affected with Familial Intrahepatic Cholestasis (Shapiro_2010, Neoldov_2023). These data indicate that the variant may be associated with disease. To our knowledge, no experimental evidence demonstrating an impact on protein function has been reported. The following publications have been ascertained in the context of this evaluation (PMID: 37471416, 20414253). ClinVar contains an entry for this variant (Variation ID: 498679). Based on the evidence outlined above, the variant was classified as VUS-possibly pathogenic.

Broad Center for Mendelian Genomics, Broad Institute of MIT and Harvard
Classification: Uncertain significance for Progressive familial intrahepatic cholestasis type 2. Last evaluated: 2025-01-24. Review status: criteria provided, single submitter. Criteria: ACMG Guidelines, 2015. Collection method: curation. Allele origin: germline. Inheritance: Autosomal recessive inheritance.
Comment: The p.Gly877Arg variant in ABCB11 has been reported in three individuals with BSEP deficiency (PMID: 20414253, 36995996; HusovaÃÅ et al. 2020), and has been identified in 0.001% (1/74900) of African/African American chromosomes by the Genome Aggregation Database (gnomAD; dbSNP rs745557569). Although this variant has been seen in the general population in a heterozygous state, its frequency is low enough to be consistent with a recessive carrier frequency. This variant has also been reported in ClinVar (Variation ID: 498679) and has been interpreted as a variant of uncertain significance by Eurofins Ntd Llc (ga) and 3billion. Of the 3 affected individuals, one was a compound heterozygote that carried a reported pathogenic variant in trans, which increases the likelihood that the p.Gly877Arg variant is pathogenic (PMID: 20414253). Computational prediction tools and conservation analyses suggest that this variant may impact the protein, though this information is not predictive enough to determine pathogenicity. In summary, while there is some suspicion for a pathogenic role, the clinical significance of this variant is uncertain. ACMG/AMP Criteria applied: PP3_moderate, PM3, PM2_supporting (Richards 2015).

Baylor Genetics
Classification: Pathogenic for Benign recurrent intrahepatic cholestasis type 2. Last evaluated: 2023-03-13. Review status: criteria provided, single submitter. Criteria: ACMG Guidelines, 2015. Collection method: clinical testing. Allele origin: unknown.

3billion
Classification: Uncertain significance for Progressive familial intrahepatic cholestasis type 2. Last evaluated: 2022-09-01. Review status: criteria provided, single submitter. Criteria: ACMG Guidelines, 2015. Collection method: clinical testing. Allele origin: germline. Affected: yes. Observed: 1 homozygote.
Comment: The variant is observed at an extremely low frequency in the gnomAD v2.1.1 dataset (total allele frequency: <0.001%). In silico tool predictions suggest damaging effect of the variant on gene or gene product (REVEL: 0.94). Same nucleotide change resulting in same amino acid change has been previously reported to be associated with ABCB11 -related disorder (PMID: 20414253). However, the evidence of pathogenicity is insufficient at this time. Therefore, this variant is classified as uncertain significance according to the recommendation of ACMG/AMP guideline.

Eurofins Ntd Llc (ga)
Classification: Uncertain significance. Last evaluated: 2016-11-16. Review status: criteria provided, single submitter. Criteria: EGL Classification Definitions 2015. Collection method: clinical testing. Allele origin: germline. Observed: 1 variant allele, 1 heterozygote.

PreventionGenetics, part of Exact Sciences
Classification: Uncertain significance for ABCB11-related condition. Last evaluated: 2024-08-13. Review status: no assertion criteria provided. Collection method: clinical testing. Allele origin: germline. Not counted in ClinVar's aggregate classification.
Comment: The ABCB11 c.2629G>A variant is predicted to result in the amino acid substitution p.Gly877Arg. The ABCB11 gene is also known as BSEP. This variant has been reported in the homozygous state in an individual with progressive familial intrahepatic cholestasis (Shapiro et al. 2010. PubMed ID: 20414253, Figure 3, referred to as G877R). This variant was also described in the compound heterozygous state in an individual who presented with progressive familial intrahepatic cholestasis in adulthood (Husova et al. 2020. Klin. Biochem. Metab., 28(49), No. 1, p.11-14) This variant is reported in 0.00089% of alleles in individuals of European (Non-Finnish) descent in gnomAD. Although we suspect that this variant may be pathogenic, at this time, the clinical significance of this variant is uncertain due to the absence of conclusive functional and genetic evidence.

Literature cited by the submitters: PubMed 41165782 (cited by Genomenon, Inc); PubMed 37471416 (cited by Genomenon, Inc and Women's Health and Genetics/Laboratory Corporation of America, LabCorp); PubMed 36995996 (cited by Genomenon, Inc); PubMed 20414253 (cited by 3 submitters).

NM_003742.4(ABCB11):c.2629G>A (p.Gly877Arg)

Genes: ABCB11 (ATP binding cassette subfamily B member 11; minus strand), LOC126806400 (CDK7 strongly-dependent group 2 enhancer GRCh37_chr2:169791870-169793069; plus strand). Cytogenetic location: 2q31.1.
Variant type: single nucleotide variant.
Coding change: c.2629G>A on transcript NM_003742.4 (MANE Select); coding-DNA position 2629, G replaced by A.
Protein change: p.Gly877Arg; replaces glycine 877 with arginine.
Molecular consequence: missense variant.
Genome position (GRCh38, 1-based): chr2:168,936,415, C>T on the plus strand (G>A on the coding strand, the complement: ABCB11 is on the minus strand). VCF-style: chr2-168936415-C-T. GRCh37 (hg19) VCF-style: chr2-169792925-C-T.
Other names: NM_003742.4(ABCB11):c.2629G>A; p.Gly877Arg; c.2629G>A, p.Gly877Arg (LRG_1199t1); c.2629G>A (NM_003742.2); short protein forms G877R.
Identifiers: ClinVar variation 498679 (VCV000498679.12), dbSNP rs745557569, ClinGen allele CA1951218.